The following is an entry in ClinVar:

NM_032578.4(MYPN):c.219C>A (p.Asp73Glu)

Gene: MYPN (myopalladin; plus strand). Cytogenetic location: 10q21.3.
Variant type: single nucleotide variant.
Coding change: c.219C>A on transcript NM_032578.4 (MANE Select); coding-DNA position 219, C replaced by A.
Protein change: p.Asp73Glu; replaces aspartic acid 73 with glutamic acid.
Molecular consequence: missense variant. On other transcripts: 5 prime UTR variant (1), non-coding transcript variant (1).
Genome position (GRCh38, 1-based): chr10:68,121,657, C>A. VCF-style: chr10-68121657-C-A. GRCh37 (hg19) VCF-style: chr10-69881414-C-A.
Other names: c.219C>A, p.Asp73Glu (NM_001256267.2); c.-904C>A (NM_001256268.2); c.219C>A (NM_032578.2); short protein forms D73E.
Identifiers: ClinVar variation 1060383 (VCV001060383.9), dbSNP rs960869945, ClinGen allele CA209185523.

ClinVar aggregate classification (germline): Uncertain significance. Review status: criteria provided, multiple submitters, no conflicts (2 of 4 stars). 2 submissions from 2 submitters: Uncertain significance (2). Last evaluated 2025-06-09.

Conditions:
Cardiovascular phenotype. Identifiers: MedGen CN230736.
Dilated cardiomyopathy 1KK (CMD1KK). Identifiers: Orphanet 154, Orphanet 75249, MedGen C3714995, MONDO:0014100, OMIM 615248.

Allele frequency attached by ClinVar (database versions not stated): gnomAD exomes below 0.00001; TOPMed 0.00003.
gnomAD v4.1: 3 of 1,614,070 alleles (0.00019%); highest among the groups gnomAD compares: African/African-American, 0.004%; no homozygotes.

Submissions (2):

Ambry Genetics
Classification: Uncertain significance for Cardiovascular phenotype. Last evaluated: 2025-06-09. Review status: criteria provided, single submitter. Criteria: Ambry Variant Classification Scheme 2023. Collection method: clinical testing. Allele origin: germline.
Comment: The p.D73E variant (also known as c.219C>A), located in coding exon 1 of the MYPN gene, results from a C to A substitution at nucleotide position 219. The aspartic acid at codon 73 is replaced by glutamic acid, an amino acid with highly similar properties. This amino acid position is conserved. In addition, this alteration is predicted to be tolerated by in silico analysis. Since supporting evidence is limited at this time, the clinical significance of this alteration remains unclear.

Labcorp Genetics (formerly Invitae), Labcorp
Classification: Uncertain significance for Dilated cardiomyopathy 1KK. Last evaluated: 2022-03-18. Review status: criteria provided, single submitter. Criteria: Invitae Variant Classification Sherloc (09022015). Collection method: clinical testing. Allele origin: germline.
Comment: In summary, the available evidence is currently insufficient to determine the role of this variant in disease. Therefore, it has been classified as a Variant of Uncertain Significance. Algorithms developed to predict the effect of missense changes on protein structure and function are either unavailable or do not agree on the potential impact of this missense change (SIFT: "Tolerated"; PolyPhen-2: "Possibly Damaging"; Align-GVGD: "Class C0"). ClinVar contains an entry for this variant (Variation ID: 1060383). This variant has not been reported in the literature in individuals affected with MYPN-related conditions. This variant is present in population databases (no rsID available, gnomAD 0.01%). This sequence change replaces aspartic acid, which is acidic and polar, with glutamic acid, which is acidic and polar, at codon 73 of the MYPN protein (p.Asp73Glu).